The following is an entry in ClinVar:

NM_006080.3(SEMA3A):c.9G>T (p.Trp3Cys)

Gene: SEMA3A (semaphorin 3A; minus strand). Cytogenetic location: 7q21.11.
Variant type: single nucleotide variant.
Coding change: c.9G>T on transcript NM_006080.3 (MANE Select); coding-DNA position 9, G replaced by T.
Protein change: p.Trp3Cys; replaces tryptophan 3 with cysteine.
Molecular consequence: missense variant.
Genome position (GRCh38, 1-based): chr7:84,194,578, C>A on the plus strand (G>T on the coding strand, the complement: SEMA3A is on the minus strand). VCF-style: chr7-84194578-C-A. GRCh37 (hg19) VCF-style: chr7-83823894-C-A.
Other names: short protein forms W3C.
Identifiers: ClinVar variation 2628988 (VCV002628988.1), dbSNP rs78084522, ClinGen allele CA368022070.

ClinVar aggregate classification (germline): Uncertain significance (1 of 4 stars; one submission).

Conditions:
SEMA3A-related disorder. Also called: SEMA3A-related condition.

gnomAD v4.1: 1 of 1,603,696 alleles (0.000062%); highest among the groups gnomAD compares: Non-Finnish European, 0.000085%; no homozygotes.

Submission:

PreventionGenetics, part of Exact Sciences
Classification: Uncertain significance for SEMA3A-related condition. Last evaluated: 2023-05-10. Review status: criteria provided, single submitter. Criteria: ACMG Guidelines, 2015. Collection method: clinical testing. Allele origin: germline.
Comment: The SEMA3A c.9G>T variant is predicted to result in the amino acid substitution p.Trp3Cys. To our knowledge, this variant has not been reported in the literature or in a large population database, indicating this variant is rare. At this time, the clinical significance of this variant is uncertain due to the absence of conclusive functional and genetic evidence.